The following is an entry in ClinVar:

NM_001244008.2(KIF1A):c.1274C>T (p.Ser425Phe)

Gene: KIF1A (kinesin family member 1A; minus strand). Cytogenetic location: 2q37.3.
Variant type: single nucleotide variant.
Coding change: c.1274C>T on transcript NM_001244008.2 (MANE Select); coding-DNA position 1274, C replaced by T.
Protein change: p.Ser425Phe; replaces serine 425 with phenylalanine.
Molecular consequence: missense variant.
Genome position (GRCh38, 1-based): chr2:240,771,038, G>A on the plus strand (C>T on the coding strand, the complement: KIF1A is on the minus strand). VCF-style: chr2-240771038-G-A. GRCh37 (hg19) VCF-style: chr2-241710455-G-A.
Other names: c.1274C>T, p.Ser425Phe (NM_001320705.2, NM_001330289.2, NM_001379638.1); c.1349C>T, p.Ser450Phe (NM_001330290.2, NM_001379631.1, NM_001379634.1 and 2 more transcripts); c.1247C>T, p.Ser416Phe (NM_001379632.1, NM_001379633.1, NM_001379636.1 and 11 more transcripts); c.1322C>T, p.Ser441Phe (NM_001379637.1, NM_001379648.1); short protein forms S416F, S425F, S441F, S450F.
Identifiers: ClinVar variation 2928945 (VCV002928945.3), dbSNP rs1257829826, ClinGen allele CA351330540.

ClinVar aggregate classification (germline): Uncertain significance (1 of 4 stars; one submission).

Conditions:
Neuropathy, hereditary sensory, type 2C. Also called: Hereditary sensory and autonomic neuropathy type IIC; KIF1A-Related HSAN2 (HSAN2C). Identifiers: Orphanet 970, MedGen C3280168, MONDO:0013634, OMIM 614213.
Hereditary spastic paraplegia 30. Identifiers: Orphanet 101010, MedGen C5235139, MONDO:0012476.
Intellectual disability, autosomal dominant 9 (NESCAVS). Also called: NESCAV SYNDROME; KIF1A-Related Neurodevelopmental Disorder. Identifiers: Orphanet 662367, MedGen C5393830, MONDO:0013656, OMIM 614255.

Allele frequency attached by ClinVar (database versions not stated): gnomAD 0.00001; TOPMed 0.00001.
gnomAD v4.1: 1 of 1,613,208 alleles (0.000062%); highest among the groups gnomAD compares: African/African-American, 0.0013%; no homozygotes.

Submission:

Labcorp Genetics (formerly Invitae), Labcorp
Classification: Uncertain significance for Hereditary spastic paraplegia 30; Neuropathy, hereditary sensory, type 2C; Intellectual disability, autosomal dominant 9. Last evaluated: 2023-08-11. Review status: criteria provided, single submitter. Criteria: Invitae Variant Classification Sherloc (09022015). Collection method: clinical testing. Allele origin: germline.
Comment: Advanced modeling of protein sequence and biophysical properties (such as structural, functional, and spatial information, amino acid conservation, physicochemical variation, residue mobility, and thermodynamic stability) performed at Invitae indicates that this missense variant is expected to disrupt KIF1A protein function. In summary, the available evidence is currently insufficient to determine the role of this variant in disease. Therefore, it has been classified as a Variant of Uncertain Significance. This variant is not present in population databases (gnomAD no frequency). This variant has not been reported in the literature in individuals affected with KIF1A-related conditions. This sequence change replaces serine, which is neutral and polar, with phenylalanine, which is neutral and non-polar, at codon 416 of the KIF1A protein (p.Ser416Phe).